The following is an entry in ClinVar:

ClinVar aggregate classification (germline): Benign (1 of 4 stars; one submission).

Allele frequency attached by ClinVar (database versions not stated): 1000 Genomes Project 0.83387; 1000 Genomes Project 30x 0.83417; TOPMed 0.85534; gnomAD 0.86221; gnomAD exomes 0.86401.
gnomAD v4.1: 468,020 of 543,592 alleles (86%); highest among the groups gnomAD compares: East Asian, 92%; 202,150 homozygotes.

Submission:

GeneDx
Classification: Benign. Last evaluated: 2018-06-14. Review status: criteria provided, single submitter. Criteria: GeneDx Variant Classification (06012015). Collection method: clinical testing. Allele origin: germline. Affected: yes.
Comment: This variant is considered likely benign or benign based on one or more of the following criteria: it is a conservative change, it occurs at a poorly conserved position in the protein, it is predicted to be benign by multiple in silico algorithms, and/or has population frequency not consistent with disease.

NM_006939.4(SOS2):c.2385-143G>A

Gene: SOS2 (SOS Ras/Rho guanine nucleotide exchange factor 2; minus strand). Cytogenetic location: 14q21.3.
Variant type: single nucleotide variant.
Coding change: c.2385-143G>A on transcript NM_006939.4 (MANE Select); 143 bases into the intron before coding-DNA position 2385, G replaced by A.
Molecular consequence: intron variant.
Genome position (GRCh38, 1-based): chr14:50,145,739, C>T on the plus strand (G>A on the coding strand, the complement: SOS2 is on the minus strand). VCF-style: chr14-50145739-C-T. GRCh37 (hg19) VCF-style: chr14-50612457-C-T.
Identifiers: ClinVar variation 561602 (VCV000561602.1), dbSNP rs726798, ClinGen allele CA13958695.